The following is an entry in ClinVar:

ClinVar aggregate classification (germline): Uncertain significance. Review status: criteria provided, multiple submitters, no conflicts (2 of 4 stars). 2 submissions from 2 submitters: Uncertain significance (2). Last evaluated 2023-07-03.

Conditions:
Isolated focal cortical dysplasia type II (FCORD2). Also called: Focal cortical dysplasia type II; CORTICAL DYSPLASIA OF TAYLOR. Identifiers: Orphanet 268994, MedGen C1846385, MONDO:0011818, OMIM 607341, HP:0032051.
Tuberous sclerosis 1 (TSC1). Identifiers: Orphanet 805, MedGen C1854465, MONDO:0008612, OMIM 191100.

Submissions (2):

Baylor Genetics
Classification: Uncertain significance for Isolated focal cortical dysplasia type II. Last evaluated: 2023-07-03. Review status: criteria provided, single submitter. Criteria: ACMG Guidelines, 2015. Collection method: clinical testing. Allele origin: unknown.

Labcorp Genetics (formerly Invitae), Labcorp
Classification: Uncertain significance for Tuberous sclerosis 1. Last evaluated: 2020-08-25. Review status: criteria provided, single submitter. Criteria: Invitae Variant Classification Sherloc (09022015). Collection method: clinical testing. Allele origin: germline.
Comment: In summary, the available evidence is currently insufficient to determine the role of this variant in disease. Therefore, it has been classified as a Variant of Uncertain Significance. Algorithms developed to predict the effect of sequence changes on RNA splicing suggest that this variant may disrupt the consensus splice site, but this prediction has not been confirmed by published transcriptional studies. This variant has not been reported in the literature in individuals with TSC1-related conditions. This variant is not present in population databases (ExAC no frequency). This sequence change affects codon 169 of the TSC1 mRNA. It is a 'silent' change, meaning that it does not change the encoded amino acid sequence of the TSC1 protein.

NM_000368.5(TSC1):c.507A>G (p.Pro169=)

Gene: TSC1 (TSC complex subunit 1; minus strand). Cytogenetic location: 9q34.13.
Variant type: single nucleotide variant.
Coding change: c.507A>G on transcript NM_000368.5 (MANE Select); coding-DNA position 507, A replaced by G.
Protein change: p.Pro169=; no amino-acid change (proline 169 retained).
Molecular consequence: synonymous variant.
Genome position (GRCh38, 1-based): chr9:132,923,349, T>C on the plus strand (A>G on the coding strand, the complement: TSC1 is on the minus strand). VCF-style: chr9-132923349-T-C. GRCh37 (hg19) VCF-style: chr9-135798736-T-C.
Other names: c.507A>G, p.Pro169= (NM_001162426.2); c.354A>G, p.Pro118= (NM_001162427.2); c.144A>G, p.Pro48= (NM_001362177.2).
Identifiers: ClinVar variation 963841 (VCV000963841.10), dbSNP rs1846669296, ClinGen allele CA467593925.